The following is an entry in ClinVar:

ClinVar aggregate classification (germline): Uncertain significance. Review status: criteria provided, multiple submitters, no conflicts (2 of 4 stars). 2 submissions from 2 submitters: Uncertain significance (2). Last evaluated 2025-01-14.

Conditions:
POLD1-related polyposis and colorectal cancer syndrome (CRCS10). Also called: Colorectal cancer 10; COLORECTAL CANCER, SUSCEPTIBILITY TO, ON CHROMOSOME 19q; Colorectal cancer, susceptibility to, 10. Identifiers: Orphanet 220460, MedGen C2675481, MONDO:0012953, OMIM 612591.
Hereditary cancer-predisposing syndrome. Also called: Tumor predisposition; Neoplastic Syndromes, Hereditary; Hereditary Cancer Syndrome; Hereditary neoplastic syndrome. Identifiers: Orphanet 140162, MedGen C0027672, MeSH D009386, MONDO:0015356.

Submissions (2):

Ambry Genetics
Classification: Uncertain significance for Hereditary cancer-predisposing syndrome. Last evaluated: 2025-01-14. Review status: criteria provided, single submitter. Criteria: Ambry Variant Classification Scheme 2023. Collection method: clinical testing. Allele origin: germline.
Comment: The p.S121P variant (also known as c.361T>C), located in coding exon 3 of the POLD1 gene, results from a T to C substitution at nucleotide position 361. The serine at codon 121 is replaced by proline, an amino acid with similar properties. This amino acid position is conserved. In addition, this alteration is predicted to be tolerated by in silico analysis. Based on the available evidence, the clinical significance of this variant remains unclear.

Labcorp Genetics (formerly Invitae), Labcorp
Classification: Uncertain significance for POLD1-related polyposis and colorectal cancer syndrome. Last evaluated: 2023-09-17. Review status: criteria provided, single submitter. Criteria: Invitae Variant Classification Sherloc (09022015). Collection method: clinical testing. Allele origin: germline.
Comment: In summary, the available evidence is currently insufficient to determine the role of this variant in disease. Therefore, it has been classified as a Variant of Uncertain Significance. Advanced modeling of protein sequence and biophysical properties (such as structural, functional, and spatial information, amino acid conservation, physicochemical variation, residue mobility, and thermodynamic stability) performed at Invitae indicates that this missense variant is not expected to disrupt POLD1 protein function. ClinVar contains an entry for this variant (Variation ID: 2120700). This variant has not been reported in the literature in individuals affected with POLD1-related conditions. This variant is not present in population databases (gnomAD no frequency). This sequence change replaces serine, which is neutral and polar, with proline, which is neutral and non-polar, at codon 121 of the POLD1 protein (p.Ser121Pro).

NM_002691.4(POLD1):c.361T>C (p.Ser121Pro)

Gene: POLD1 (DNA polymerase delta 1, catalytic subunit; plus strand). Cytogenetic location: 19q13.33.
Variant type: single nucleotide variant.
Coding change: c.361T>C on transcript NM_002691.4 (MANE Select); coding-DNA position 361, T replaced by C.
Protein change: p.Ser121Pro; replaces serine 121 with proline.
Molecular consequence: missense variant. On other transcripts: non-coding transcript variant (1).
Genome position (GRCh38, 1-based): chr19:50,401,822, T>C. VCF-style: chr19-50401822-T-C. GRCh37 (hg19) VCF-style: chr19-50905079-T-C.
Other names: c.361T>C (NM_002691.2); c.361T>C, p.Ser121Pro (NM_001256849.1, NM_001308632.1); short protein forms S121P.
Identifiers: ClinVar variation 2120700 (VCV002120700.5), dbSNP rs2513955456, ClinGen allele CA406972253.